The following is an entry in ClinVar:

NM_006648.4(WNK2):c.4548C>G (p.Ser1516Arg)

Gene: WNK2 (WNK lysine deficient protein kinase 2; plus strand). Cytogenetic location: 9q22.31.
Variant type: single nucleotide variant.
Coding change: c.4548C>G on transcript NM_006648.4 (MANE Select); coding-DNA position 4548, C replaced by G.
Protein change: p.Ser1516Arg; replaces serine 1516 with arginine.
Molecular consequence: missense variant.
Genome position (GRCh38, 1-based): chr9:93,289,302, C>G. VCF-style: chr9-93289302-C-G. GRCh37 (hg19) VCF-style: chr9-96051584-C-G.
Other names: c.4659C>G, p.Ser1553Arg (NM_001282394.3); short protein forms S1516R, S1553R.
Identifiers: ClinVar variation 3982006 (VCV003982006.1).

ClinVar aggregate classification (germline): Uncertain significance (1 of 4 stars; one submission).

Submission:

Ambry Genetics
Classification: Uncertain significance. Last evaluated: 2025-05-07. Review status: criteria provided, single submitter. Criteria: Ambry Variant Classification Scheme 2023. Collection method: clinical testing. Allele origin: germline.
Comment: The p.S1516R variant (also known as c.4548C>G), located in coding exon 19 of the WNK2 gene, results from a C to G substitution at nucleotide position 4548. The serine at codon 1516 is replaced by arginine, an amino acid with dissimilar properties. This amino acid position is conserved. In addition, this alteration is predicted to be tolerated by in silico analysis. Based on the available evidence, the clinical significance of this variant remains unclear.